The following is an entry in ClinVar:

ClinVar aggregate classification (germline): Uncertain significance. Review status: criteria provided, multiple submitters, no conflicts (2 of 4 stars). 2 submissions from 2 submitters: Uncertain significance (2). Last evaluated 2025-05-21.

Conditions:
Inborn genetic diseases. Identifiers: MedGen C0950123, MeSH D030342.
Proteosome-associated autoinflammatory syndrome. Also called: Proteasome-associated autoinflammatory syndrome. Identifiers: Orphanet 324977, MedGen C1850568, MONDO:0009726.

Allele frequency attached by ClinVar (database versions not stated): gnomAD 0.00001.

Submissions (2):

Ambry Genetics
Classification: Uncertain significance for Inborn genetic diseases. Last evaluated: 2025-05-21. Review status: criteria provided, single submitter. Criteria: Ambry Variant Classification Scheme 2023. Collection method: clinical testing. Allele origin: germline.

Labcorp Genetics (formerly Invitae), Labcorp
Classification: Uncertain significance for Proteosome-associated autoinflammatory syndrome. Last evaluated: 2022-07-06. Review status: criteria provided, single submitter. Criteria: Invitae Variant Classification Sherloc (09022015). Collection method: clinical testing. Allele origin: germline.
Comment: This sequence change replaces lysine, which is basic and polar, with threonine, which is neutral and polar, at codon 252 of the PSMB8 protein (p.Lys252Thr). This variant is not present in population databases (gnomAD no frequency). In summary, the available evidence is currently insufficient to determine the role of this variant in disease. Therefore, it has been classified as a Variant of Uncertain Significance. Algorithms developed to predict the effect of missense changes on protein structure and function (SIFT, PolyPhen-2, Align-GVGD) all suggest that this variant is likely to be tolerated. ClinVar contains an entry for this variant (Variation ID: 662030). This variant has not been reported in the literature in individuals affected with PSMB8-related conditions.

NM_148919.4(PSMB8):c.755A>C (p.Lys252Thr)

Gene: PSMB8 (proteasome 20S subunit beta 8; minus strand). Cytogenetic location: 6p21.32.
Variant type: single nucleotide variant.
Coding change: c.755A>C on transcript NM_148919.4 (MANE Select); coding-DNA position 755, A replaced by C.
Protein change: p.Lys252Thr; replaces lysine 252 with threonine.
Molecular consequence: missense variant.
Genome position (GRCh38, 1-based): chr6:32,841,035, T>G on the plus strand (A>C on the coding strand, the complement: PSMB8 is on the minus strand). VCF-style: chr6-32841035-T-G. GRCh37 (hg19) VCF-style: chr6-32808812-T-G.
Other names: c.755A>C, p.Lys252Thr (LRG_1328t1); c.743A>C, p.Lys248Thr (LRG_1328t2, NM_004159.5); short protein forms K248T, K252T.
Identifiers: ClinVar variation 662030 (VCV000662030.11), dbSNP rs1582602825, ClinGen allele CA363588261.